The following is an entry in ClinVar:

NM_022356.4(P3H1):c.2055+13C>G

Gene: P3H1 (prolyl 3-hydroxylase 1; minus strand). Cytogenetic location: 1p34.2.
Variant type: single nucleotide variant.
Coding change: c.2055+13C>G on transcript NM_022356.4 (MANE Select); 13 bases into the intron after coding-DNA position 2055, C replaced by G.
Molecular consequence: intron variant. On other transcripts: missense variant (2).
Genome position (GRCh38, 1-based): chr1:42,747,259, G>C on the plus strand (C>G on the coding strand, the complement: P3H1 is on the minus strand). VCF-style: chr1-42747259-G-C. GRCh37 (hg19) VCF-style: chr1-43212930-G-C.
Other names: c.2068C>G, p.Arg690Gly (NM_001146289.2, NM_001243246.2); c.2068C>G (NM_001243246.1); short protein forms R690G.
Identifiers: ClinVar variation 440020 (VCV000440020.23), dbSNP rs76628300, ClinGen allele CA801605.
Genomic context (GRCh38, chr1:42,747,259, plus strand): 5'-AGGCAAACCAAGGGCGCTCTGGGAACGGGTCACCACAGCACCAGCTGCTCTCACCCGCTC[G>C]AGCTGCTCTCACCCGCTCGCTGTGTCGAGGGTCCAGGGTGAACCACAGGGCGATGGCACA-3'

ClinVar aggregate classification (germline): Benign/Likely benign. Review status: criteria provided, multiple submitters, no conflicts (2 of 4 stars). 8 submissions from 7 submitters: Benign (5); Likely benign (2). 1 of the submissions does not count toward it. Last evaluated 2026-01-28.

Conditions:
P3H1-related disorder. Also called: P3H1-related condition.
Osteogenesis Imperfecta, Recessive.
Osteogenesis imperfecta type 8 (OI8). Identifiers: MedGen C1970458, MONDO:0012581, OMIM 610915.

Allele frequency attached by ClinVar (database versions not stated): TOPMed 0.00820; 1000 Genomes Project 0.00839; ESP Exome Variant Server 0.00984.

Submissions (8):

Labcorp Genetics (formerly Invitae), Labcorp
Classification: Benign for Osteogenesis imperfecta type 8. Last evaluated: 2026-01-28. Review status: criteria provided, single submitter. Criteria: Invitae Variant Classification Sherloc (09022015). Collection method: clinical testing. Allele origin: germline.

ARUP Laboratories, Molecular Genetics and Genomics, ARUP Laboratories
Classification: Benign for Osteogenesis imperfecta type 8. Last evaluated: 2023-05-02. Review status: criteria provided, single submitter. Criteria: ARUP Molecular Germline Variant Investigation Process 2024. Collection method: clinical testing. Allele origin: germline.

Genome-Nilou Lab
Classification: Benign for Osteogenesis imperfecta type 8. Last evaluated: 2023-04-11. Review status: criteria provided, single submitter. Criteria: ACMG Guidelines, 2015. Collection method: clinical testing. Allele origin: germline. Affected: no.

Fulgent Genetics
Classification: Likely benign for Osteogenesis imperfecta type 8. Last evaluated: 2021-08-26. Review status: criteria provided, single submitter. Criteria: ACMG Guidelines, 2015. Collection method: clinical testing. Allele origin: unknown.

Illumina Laboratory Services, Illumina
Classification: Benign for Osteogenesis imperfecta type 8. Last evaluated: 2018-01-13. Review status: criteria provided, single submitter. Criteria: ICSL Variant Classification Criteria 13 December 2019. Collection method: clinical testing. Allele origin: germline.
Comment: This variant was observed in the ICSL laboratory as part of a predisposition screen in an ostensibly healthy population. It had not been previously curated by ICSL or reported in the Human Gene Mutation Database (HGMD: prior to June 1st, 2018), and was therefore a candidate for classification through an automated scoring system. Utilizing variant allele frequency, disease prevalence and penetrance estimates, and inheritance mode, an automated score was calculated to assess if this variant is too frequent to cause the disease. Based on the score and internal cut-off values, a variant classified as benign is not then subjected to further curation. The score for this variant resulted in a classification of benign for this disease.

Illumina Laboratory Services, Illumina
Classification: Likely benign for Osteogenesis Imperfecta, Recessive. Last evaluated: 2017-04-27. Review status: criteria provided, single submitter. Criteria: ICSL Variant Classification Criteria 13 December 2019. Collection method: clinical testing. Allele origin: germline.
Comment: This variant was observed as part of a predisposition screen in an ostensibly healthy population. A literature search was performed for the gene, cDNA change, and amino acid change (where applicable). No publications were found based on this search. Allele frequency data from public databases allowed determination this variant is unlikely to cause disease. Therefore, this variant is classified as likely benign.

GeneDx
Classification: Benign. Last evaluated: 2017-03-10. Review status: criteria provided, single submitter. Criteria: GeneDx Variant Classification (06012015). Collection method: clinical testing. Allele origin: germline. Affected: yes.
Comment: This variant is considered likely benign or benign based on one or more of the following criteria: it is a conservative change, it occurs at a poorly conserved position in the protein, it is predicted to be benign by multiple in silico algorithms, and/or has population frequency not consistent with disease.

PreventionGenetics, part of Exact Sciences
Classification: Benign for P3H1-related condition. Last evaluated: 2019-03-25. Review status: no assertion criteria provided. Collection method: clinical testing. Allele origin: germline. Not counted in ClinVar's aggregate classification.
Comment: This variant is classified as benign based on ACMG/AMP sequence variant interpretation guidelines (Richards et al. 2015 PMID: 25741868, with internal and published modifications).